The following is an entry in ClinVar:

NM_016599.5(MYOZ2):c.245A>C (p.Asn82Thr)

Gene: MYOZ2 (myozenin 2; plus strand). Cytogenetic location: 4q26.
Variant type: single nucleotide variant.
Coding change: c.245A>C on transcript NM_016599.5 (MANE Select); coding-DNA position 245, A replaced by C.
Protein change: p.Asn82Thr; replaces asparagine 82 with threonine.
Molecular consequence: missense variant.
Genome position (GRCh38, 1-based): chr4:119,151,040, A>C. VCF-style: chr4-119151040-A-C. GRCh37 (hg19) VCF-style: chr4-120072195-A-C.
Other names: short protein forms N82T.
Identifiers: ClinVar variation 227709 (VCV000227709.20), dbSNP rs149125238, ClinGen allele CA3058566.

ClinVar aggregate classification (germline): Benign/Likely benign. Review status: criteria provided, multiple submitters, no conflicts (2 of 4 stars). 6 submissions from 6 submitters: Benign (1); Likely benign (5). Last evaluated 2026-01-05.

Conditions:
MYOZ2-related disorder. Also called: MYOZ2-related condition.
Cardiovascular phenotype. Identifiers: MedGen CN230736.
Cardiomyopathy (CMYO). Also called: Cardiomyopathies. Identifiers: Orphanet 167848, MedGen C0878544, MONDO:0004994, HP:0001638. Inheritance: Various modes of inheritance.
Hypertrophic cardiomyopathy. Also called: HYPERTROPHIC MYOCARDIOPATHY. Identifiers: Orphanet 217569, MedGen C0007194, MeSH D002312, MONDO:0005045, HP:0001639.

Allele frequency attached by ClinVar (database versions not stated): gnomAD 0.00007; TOPMed 0.00012; 1000 Genomes Project 0.00040; 1000 Genomes Project 30x 0.00094.

Submissions (7):

Labcorp Genetics (formerly Invitae), Labcorp
Classification: Likely benign for Hypertrophic cardiomyopathy. Last evaluated: 2026-01-05. Review status: criteria provided, single submitter. Criteria: Invitae Variant Classification Sherloc (09022015). Collection method: clinical testing. Allele origin: germline.

PreventionGenetics, part of Exact Sciences
Classification: Likely benign for MYOZ2-related condition. Last evaluated: 2025-09-30. Review status: criteria provided, single submitter. Criteria: ACMG Guidelines, 2015. Collection method: clinical testing. Allele origin: germline.
Comment: This variant is classified as likely benign based on ACMG/AMP sequence variant interpretation guidelines (Richards et al. 2015 PMID: 25741868, with internal and published modifications).

Ambry Genetics
Classification: Likely benign for Cardiovascular phenotype. Last evaluated: 2018-07-24. Review status: criteria provided, single submitter. Criteria: Ambry Variant Classification Scheme 2023. Collection method: clinical testing. Allele origin: germline.

GeneDx
Classification: Likely benign. Last evaluated: 2018-06-15. Review status: criteria provided, single submitter. Criteria: GeneDx Variant Classification (06012015). Collection method: clinical testing. Allele origin: germline. Affected: yes.
Comment: This variant is considered likely benign or benign based on one or more of the following criteria: it is a conservative change, it occurs at a poorly conserved position in the protein, it is predicted to be benign by multiple in silico algorithms, and/or has population frequency not consistent with disease.

CHEO Genetics Diagnostic Laboratory, Children's Hospital of Eastern Ontario
Classification: Benign for Cardiomyopathy. Last evaluated: 2018-02-28. Review status: criteria provided, single submitter. Criteria: ACMG Guidelines, 2015. Collection method: clinical testing. Allele origin: germline.

Laboratory for Molecular Medicine, Mass General Brigham Personalized Medicine
Classification: Likely benign. Last evaluated: 2015-12-10. Review status: criteria provided, single submitter. Criteria: LMM Criteria. Collection method: clinical testing. Allele origin: germline. Observed: 1 variant allele.
Comment: p.Asn82Thr in exon of MYOZ2: This variant is not expected to have clinical sign ificance because it has been identified in 0.3% (25/8628) of East Asian chromoso mes by the Exome Aggregation Consortium (ExAC; d bSNP rs149125238).

Dr. Peter K. Rogan Lab, Western University
No classification provided (evidence only). Condition: Sarcoma. Review status: no classification provided. Collection method: in vitro. Allele origin: not applicable. Functional consequence: retained intron. Not counted in ClinVar's aggregate classification.